The following is an entry in ClinVar:

NM_014141.6(CNTNAP2):c.2617T>A (p.Ser873Thr)

Gene: CNTNAP2 (contactin associated protein 2; plus strand). Cytogenetic location: 7q35.
Variant type: single nucleotide variant.
Coding change: c.2617T>A on transcript NM_014141.6 (MANE Select); coding-DNA position 2617, T replaced by A.
Protein change: p.Ser873Thr; replaces serine 873 with threonine.
Molecular consequence: missense variant.
Genome position (GRCh38, 1-based): chr7:148,147,553, T>A. VCF-style: chr7-148147553-T-A. GRCh37 (hg19) VCF-style: chr7-147844645-T-A.
Other names: short protein forms S873T.
Identifiers: ClinVar variation 1425116 (VCV001425116.5), dbSNP rs776896133, ClinGen allele CA4546447.

ClinVar aggregate classification (germline): Uncertain significance (1 of 4 stars; one submission).

Conditions:
Cortical dysplasia-focal epilepsy syndrome (PTHSL1). Also called: Pitt-Hopkins-like syndrome 1. Identifiers: Orphanet 163681, Orphanet 221150, MedGen C2750246, MONDO:0012400, OMIM 610042.

Allele frequency attached by ClinVar (database versions not stated): gnomAD exomes 0.00001 and 0.00003; TOPMed 0.00001; ExAC 0.00002; gnomAD 0.00002.
gnomAD v4.1: 25 of 1,613,924 alleles (0.0015%); highest among the groups gnomAD compares: South Asian, 0.015%; no homozygotes.

Submission:

Labcorp Genetics (formerly Invitae), Labcorp
Classification: Uncertain significance for Cortical dysplasia-focal epilepsy syndrome. Last evaluated: 2022-05-14. Review status: criteria provided, single submitter. Criteria: Invitae Variant Classification Sherloc (09022015). Collection method: clinical testing. Allele origin: germline.
Comment: This sequence change replaces serine, which is neutral and polar, with threonine, which is neutral and polar, at codon 873 of the CNTNAP2 protein (p.Ser873Thr). This variant is present in population databases (rs776896133, gnomAD 0.02%). This missense change has been observed in individual(s) with language impairment (PMID: 34540591). Algorithms developed to predict the effect of missense changes on protein structure and function (SIFT, PolyPhen-2, Align-GVGD) all suggest that this variant is likely to be disruptive. In summary, the available evidence is currently insufficient to determine the role of this variant in disease. Therefore, it has been classified as a Variant of Uncertain Significance.

Literature cited by the submitters: PubMed 34540591.